The following is an entry in ClinVar:

ClinVar aggregate classification (germline): Uncertain significance. Review status: criteria provided, multiple submitters, no conflicts (2 of 4 stars). 2 submissions from 2 submitters: Uncertain significance (2). Last evaluated 2025-10-27.

Allele frequency attached by ClinVar (database versions not stated): gnomAD exomes below 0.00001 and 0.00001; ExAC 0.00001; gnomAD 0.00001; TOPMed 0.00001.
gnomAD v4.1: 7 of 1,614,014 alleles (0.00043%); highest among the groups gnomAD compares: Non-Finnish European, 0.00059%; no homozygotes.

Submissions (2):

Labcorp Genetics (formerly Invitae), Labcorp
Classification: Uncertain significance. Last evaluated: 2025-10-27. Review status: criteria provided, single submitter. Criteria: Invitae Variant Classification Sherloc (09022015). Collection method: clinical testing. Allele origin: germline.
Comment: This sequence change replaces isoleucine, which is neutral and non-polar, with threonine, which is neutral and polar, at codon 352 of the CLUAP1 protein (p.Ile352Thr). This variant is present in population databases (rs765209611, gnomAD 0.003%). This variant has not been reported in the literature in individuals affected with CLUAP1-related conditions. ClinVar contains an entry for this variant (Variation ID: 1477871). Invitae Evidence Modeling of protein sequence and biophysical properties (such as structural, functional, and spatial information, amino acid conservation, physicochemical variation, residue mobility, and thermodynamic stability) indicates that this missense variant is not expected to disrupt CLUAP1 protein function with a negative predictive value of 80%. In summary, the available evidence is currently insufficient to determine the role of this variant in disease. Therefore, it has been classified as a Variant of Uncertain Significance.

Ambry Genetics
Classification: Uncertain significance. Last evaluated: 2025-08-26. Review status: criteria provided, single submitter. Criteria: Ambry Variant Classification Scheme 2023. Collection method: clinical testing. Allele origin: germline.

NM_015041.3(CLUAP1):c.1055T>C (p.Ile352Thr)

Gene: CLUAP1 (clusterin associated protein 1; plus strand). Cytogenetic location: 16p13.3.
Variant type: single nucleotide variant.
Coding change: c.1055T>C on transcript NM_015041.3 (MANE Select); coding-DNA position 1055, T replaced by C.
Protein change: p.Ile352Thr; replaces isoleucine 352 with threonine.
Molecular consequence: missense variant.
Genome position (GRCh38, 1-based): chr16:3,532,804, T>C. VCF-style: chr16-3532804-T-C. GRCh37 (hg19) VCF-style: chr16-3582804-T-C.
Other names: c.1055T>C, p.Ile352Thr (NM_001330454.2); c.557T>C, p.Ile186Thr (NM_024793.3); c.1055T>C (NM_015041.1); short protein forms I352T, I186T.
Identifiers: ClinVar variation 1477871 (VCV001477871.7), dbSNP rs765209611, ClinGen allele CA7863979.